The following is an entry in ClinVar:

ClinVar aggregate classification (germline): Uncertain significance (1 of 4 stars; one submission).

Allele frequency attached by ClinVar (database versions not stated): TOPMed below 0.00001; gnomAD 0.00001; gnomAD exomes 0.00001.

Submission:

Laboratorio de Genetica e Diagnostico Molecular, Hospital Israelita Albert Einstein
Classification: Uncertain significance. Last evaluated: 2019-05-25. Review status: criteria provided, single submitter. Criteria: ACMG Guidelines, 2015. Collection method: clinical testing. Allele origin: germline. Affected: yes.
Comment: ACMG classification criteria: PM2, PP3

NM_001273.5(CHD4):c.1594C>T (p.Pro532Ser)

Gene: CHD4 (chromodomain helicase DNA binding protein 4; minus strand). Cytogenetic location: 12p13.31.
Variant type: single nucleotide variant.
Coding change: c.1594C>T on transcript NM_001273.5 (MANE Select); coding-DNA position 1594, C replaced by T.
Protein change: p.Pro532Ser; replaces proline 532 with serine.
Molecular consequence: missense variant.
Genome position (GRCh38, 1-based): chr12:6,598,314, G>A on the plus strand (C>T on the coding strand, the complement: CHD4 is on the minus strand). VCF-style: chr12-6598314-G-A. GRCh37 (hg19) VCF-style: chr12-6707480-G-A.
Other names: c.1573C>T, p.Pro525Ser (NM_001297553.2); c.1555C>T, p.Pro519Ser (NM_001363606.2); short protein forms P519S, P525S, P532S.
Identifiers: ClinVar variation 1690946 (VCV001690946.2), dbSNP rs1244201059, ClinGen allele CA383598761.
Genomic context (GRCh38, chr12:6,598,314, plus strand): 5'-AAGACATGCCTTGCCATTTCACAAAGAACTGCCGCTCTGGCCGCCCCTCCAAGGGCTTTG[G>A]GGAGGGCGTGTTGGGATCAGCATCTGGAGGCCGAGGCACTGGTGTGGGAGATGGTGGCTG-3'
Protein context (NP_001264.2, residues 522-542): PPDADPNTPS[Pro532Ser]KPLEGRPERQ